The following is an entry in ClinVar:

ClinVar aggregate classification (germline): Uncertain significance. Review status: criteria provided, multiple submitters, no conflicts (2 of 4 stars). 2 submissions from 2 submitters: Uncertain significance (2). Last evaluated 2026-01-04.

Conditions:
Marfan syndrome (MFS). Also called: FBN1-Related Marfan Syndrome; Marfan syndrome type 1; Marfan's syndrome; MARFAN SYNDROME, TYPE I; Marfan syndrome, classic. Identifiers: Orphanet 284963, Orphanet 558, MedGen C0024796, MONDO:0007947, OMIM 154700.
Familial thoracic aortic aneurysm and aortic dissection (TAAD). Also called: Thoracic aortic aneurysms and dissections. Identifiers: Orphanet 91387, MedGen C4707243, MONDO:0019625.

Submissions (2):

Labcorp Genetics (formerly Invitae), Labcorp
Classification: Uncertain significance for Marfan syndrome; Familial thoracic aortic aneurysm and aortic dissection. Last evaluated: 2026-01-04. Review status: criteria provided, single submitter. Criteria: Invitae Variant Classification Sherloc (09022015). Collection method: clinical testing. Allele origin: germline.
Comment: This sequence change replaces serine, which is neutral and polar, with cysteine, which is neutral and slightly polar, at codon 2537 of the FBN1 protein (p.Ser2537Cys). This variant is not present in population databases (gnomAD no frequency). This missense change has been observed in individual(s) with clinical features of FBN1-related conditions (PMID: 31830381). ClinVar contains an entry for this variant (Variation ID: 1436241). Invitae Evidence Modeling of protein sequence and biophysical properties (such as structural, functional, and spatial information, amino acid conservation, physicochemical variation, residue mobility, and thermodynamic stability) has been performed for this missense variant. However, the output from this modeling did not meet the statistical confidence thresholds required to predict the impact of this variant on FBN1 protein function. In summary, the available evidence is currently insufficient to determine the role of this variant in disease. Therefore, it has been classified as a Variant of Uncertain Significance.

Juno Genomics, Hangzhou Juno Genomics, Inc
Classification: Uncertain significance for Marfan syndrome. Review status: criteria provided, single submitter. Criteria: ACMG Guidelines, 2015. Collection method: clinical testing. Allele origin: germline.
Comment: Absent from controls (or at extremely low frequency if recessive) in Genome Aggregation Database.;Missense variant in a gene that has a low rate of benign missense variation.;The prevalence of the variant in affected individuals is significantly increased compared to the prevalence in controls.

Literature cited by the submitters: PubMed 31830381 (cited by Labcorp Genetics (formerly Invitae), Labcorp).

NM_000138.5(FBN1):c.7610C>G (p.Ser2537Cys)

Gene: FBN1 (fibrillin 1; minus strand). Cytogenetic location: 15q21.1.
Variant type: single nucleotide variant.
Coding change: c.7610C>G on transcript NM_000138.5 (MANE Select); coding-DNA position 7610, C replaced by G.
Protein change: p.Ser2537Cys; replaces serine 2537 with cysteine.
Molecular consequence: missense variant.
Genome position (GRCh38, 1-based): chr15:48,421,647, G>C on the plus strand (C>G on the coding strand, the complement: FBN1 is on the minus strand). VCF-style: chr15-48421647-G-C. GRCh37 (hg19) VCF-style: chr15-48713844-G-C.
Other names: short protein forms S2537C.
Identifiers: ClinVar variation 1436241 (VCV001436241.10), dbSNP rs2141221930, ClinGen allele CA392325712.